The following is an entry in ClinVar:

NM_017777.4(MKS1):c.295T>C (p.Cys99Arg)

Gene: MKS1 (MKS transition zone complex subunit 1; minus strand). Cytogenetic location: 17q22.
Variant type: single nucleotide variant.
Coding change: c.295T>C on transcript NM_017777.4 (MANE Select); coding-DNA position 295, T replaced by C.
Protein change: p.Cys99Arg; replaces cysteine 99 with arginine.
Molecular consequence: missense variant. On other transcripts: 5 prime UTR variant (1).
Genome position (GRCh38, 1-based): chr17:58,216,210, A>G on the plus strand (T>C on the coding strand, the complement: MKS1 is on the minus strand). VCF-style: chr17-58216210-A-G. GRCh37 (hg19) VCF-style: chr17-56293571-A-G.
Other names: c.-217T>C (NM_001321268.2); c.295T>C, p.Cys99Arg (NM_001321269.2, NM_001330397.2, NM_001411113.1); short protein forms C99R.
Identifiers: ClinVar variation 4994460 (VCV004994460.1).

ClinVar aggregate classification (germline): Uncertain significance (1 of 4 stars; one submission).

Conditions:
MKS1-related disorder. Also called: MKS1-related condition; MKS1-related disorders. Identifiers: MedGen CN239382.

Submission:

PreventionGenetics, part of Exact Sciences
Classification: Uncertain significance for MKS1-related condition. Last evaluated: 2026-08-27. Review status: criteria provided, single submitter. Criteria: ACMG Guidelines, 2015. Collection method: clinical testing. Allele origin: germline.
Comment: The MKS1 c.295T>C variant is predicted to result in the amino acid substitution p.Cys99Arg. To our knowledge, this variant has not been reported in the literature or in a large population database (gnomAD), indicating this variant is rare. At this time, the clinical significance of this variant is uncertain due to the absence of conclusive functional and genetic evidence.